The following is an entry in ClinVar:

NM_001374736.1(DST):c.1454T>C (p.Ile485Thr)

Gene: DST (dystonin; minus strand). Cytogenetic location: 6p12.1.
Variant type: single nucleotide variant.
Coding change: c.1454T>C on transcript NM_001374736.1 (MANE Select); coding-DNA position 1454, T replaced by C.
Protein change: p.Ile485Thr; replaces isoleucine 485 with threonine.
Molecular consequence: missense variant.
Genome position (GRCh38, 1-based): chr6:56,648,670, A>G on the plus strand (T>C on the coding strand, the complement: DST is on the minus strand). VCF-style: chr6-56648670-A-G. GRCh37 (hg19) VCF-style: chr6-56513468-A-G.
Other names: c.1355T>C, p.Ile452Thr (NM_001144769.5); c.941T>C, p.Ile314Thr (NM_001144770.2); c.1454T>C, p.Ile485Thr (NM_001374722.1); c.821T>C, p.Ile274Thr (NM_001374729.1, NM_001374730.1, NM_001386100.1 and 1 more transcripts); c.1481T>C, p.Ile494Thr (NM_001374734.1); short protein forms I314T, I452T, I494T, I485T, I274T.
Identifiers: ClinVar variation 1770695 (VCV001770695.2), dbSNP rs185149269, ClinGen allele CA3871698.

ClinVar aggregate classification (germline): Uncertain significance (1 of 4 stars; one submission).

Conditions:
Inborn genetic diseases. Identifiers: MedGen C0950123, MeSH D030342.

Allele frequency attached by ClinVar (database versions not stated): gnomAD exomes 0.00001; gnomAD 0.00007; ExAC 0.00008; TOPMed 0.00008; 1000 Genomes Project 30x 0.00031; 1000 Genomes Project 0.00040.
gnomAD v4.1: 26 of 1,576,130 alleles (0.0016%); highest among the groups gnomAD compares: African/African-American, 0.029%; no homozygotes.

Submission:

Ambry Genetics
Classification: Uncertain significance for Inborn genetic diseases. Last evaluated: 2020-09-02. Review status: criteria provided, single submitter. Criteria: Ambry Variant Classification Scheme 2023. Collection method: clinical testing. Allele origin: germline.
Comment: The p.I452T variant (also known as c.1355T>C), located in coding exon 12 of the DST gene, results from a T to C substitution at nucleotide position 1355. The isoleucine at codon 452 is replaced by threonine, an amino acid with similar properties. This amino acid position is not well conserved in available vertebrate species. In addition, the in silico prediction for this alteration is inconclusive. Since supporting evidence is limited at this time, the clinical significance of this alteration remains unclear.